The following is an entry in ClinVar:

NM_025114.4(CEP290):c.6572A>T (p.His2191Leu)

Gene: CEP290 (centrosomal protein 290; minus strand). Cytogenetic location: 12q21.32.
Variant type: single nucleotide variant.
Coding change: c.6572A>T on transcript NM_025114.4 (MANE Select); coding-DNA position 6572, A replaced by T.
Protein change: p.His2191Leu; replaces histidine 2191 with leucine.
Molecular consequence: missense variant.
Genome position (GRCh38, 1-based): chr12:88,059,971, T>A on the plus strand (A>T on the coding strand, the complement: CEP290 is on the minus strand). VCF-style: chr12-88059971-T-A. GRCh37 (hg19) VCF-style: chr12-88453748-T-A.
Other names: short protein forms H2191L.
Identifiers: ClinVar variation 959829 (VCV000959829.13), dbSNP rs368428115, ClinGen allele CA6711470.

ClinVar aggregate classification (germline): Uncertain significance. Review status: criteria provided, multiple submitters, no conflicts (2 of 4 stars). 5 submissions from 5 submitters: Uncertain significance (4). 1 of the submissions does not count toward it. Last evaluated 2026-04-15.

Conditions:
Bardet-Biedl syndrome 14 (BBS14). Identifiers: Orphanet 110, MedGen C2673874, MONDO:0014442, OMIM 615991.
Joubert syndrome 5 (JBTS5). Identifiers: Orphanet 2318, MedGen C1857780, MONDO:0012432, OMIM 610188.
Senior-Loken syndrome 6 (SLSN6). Identifiers: Orphanet 3156, MedGen C1857779, MONDO:0012433, OMIM 610189.
Meckel syndrome, type 4 (MKS4). Also called: MECKEL-GRUBER SYNDROME, TYPE 4. Identifiers: Orphanet 564, MedGen C1970161, MONDO:0012626, OMIM 611134.
Leber congenital amaurosis 10 (LCA10). Identifiers: Orphanet 65, MedGen C1857821, MONDO:0012723, OMIM 611755.
CEP290-related disorder. Also called: CEP290-related condition; CEP290-related disorders. Identifiers: MedGen CN239314.
Leber congenital amaurosis (LCA). Also called: Leber's amaurosis. Identifiers: Orphanet 65, MedGen C0339527, MeSH D057130, MONDO:0018998.
Inborn genetic diseases. Identifiers: MedGen C0950123, MeSH D030342.
Nephronophthisis. Also called: Juvenile Nephronophthisis. Identifiers: Orphanet 655, MedGen C0687120, MONDO:0019005, HP:0000090.
Meckel-Gruber syndrome. Also called: GRUBER SYNDROME; Dysencephalia splachnocystica; DYSENCEPHALIA SPLANCHNOCYSTICA. Identifiers: Orphanet 564, MedGen C0265215, MONDO:0018921.
Joubert syndrome. Also called: Familial aplasia of the vermis; JOUBERT-BOLTSHAUSER SYNDROME. Identifiers: Orphanet 475, MedGen C5979921, MONDO:0018772.

Allele frequency attached by ClinVar (database versions not stated): gnomAD 0.00010 and 0.00011; TOPMed 0.00011; ESP Exome Variant Server 0.00017.
gnomAD v4.1: 30 of 1,587,076 alleles (0.0019%); highest among the groups gnomAD compares: African/African-American, 0.034%; no homozygotes.

Submissions (5):

PreventionGenetics, part of Exact Sciences
Classification: Uncertain significance for CEP290-related condition. Last evaluated: 2026-04-15. Review status: criteria provided, single submitter. Criteria: ACMG Guidelines, 2015. Collection method: clinical testing. Allele origin: germline.
Comment: The CEP290 c.6572A>T variant is predicted to result in the amino acid substitution p.His2191Leu. To our knowledge, this variant has not been reported in the literature. This variant is reported in 0.023% of alleles in individuals of African descent in gnomAD. At this time, the clinical significance of this variant is uncertain due to the absence of conclusive functional and genetic evidence.

Fulgent Genetics
Classification: Uncertain significance for Joubert syndrome 5; Senior-Loken syndrome 6; Meckel syndrome, type 4; Leber congenital amaurosis 10; Bardet-Biedl syndrome 14. Last evaluated: 2024-06-05. Review status: criteria provided, single submitter. Criteria: ACMG Guidelines, 2015. Collection method: clinical testing. Allele origin: germline.

Ambry Genetics
Classification: Uncertain significance for Inborn genetic diseases. Last evaluated: 2024-01-30. Review status: criteria provided, single submitter. Criteria: Ambry Variant Classification Scheme 2023. Collection method: clinical testing. Allele origin: germline.

Labcorp Genetics (formerly Invitae), Labcorp
Classification: Uncertain significance for Joubert syndrome; Meckel-Gruber syndrome; Nephronophthisis. Last evaluated: 2024-01-22. Review status: criteria provided, single submitter. Criteria: Invitae Variant Classification Sherloc (09022015). Collection method: clinical testing. Allele origin: germline.
Comment: This sequence change replaces histidine, which is basic and polar, with leucine, which is neutral and non-polar, at codon 2191 of the CEP290 protein (p.His2191Leu). This variant is present in population databases (rs368428115, gnomAD 0.03%). This variant has not been reported in the literature in individuals affected with CEP290-related conditions. ClinVar contains an entry for this variant (Variation ID: 959829). Advanced modeling of protein sequence and biophysical properties (such as structural, functional, and spatial information, amino acid conservation, physicochemical variation, residue mobility, and thermodynamic stability) performed at Invitae indicates that this missense variant is not expected to disrupt CEP290 protein function with a negative predictive value of 80%. In summary, the available evidence is currently insufficient to determine the role of this variant in disease. Therefore, it has been classified as a Variant of Uncertain Significance.

Natera, Inc.
Classification: Uncertain significance for Leber congenital amaurosis. Last evaluated: 2020-01-17. Review status: no assertion criteria provided. Collection method: clinical testing. Allele origin: germline. Not counted in ClinVar's aggregate classification.